The following is an entry in ClinVar:

NM_006648.4(WNK2):c.4957A>T (p.Met1653Leu)

Gene: WNK2 (WNK lysine deficient protein kinase 2; plus strand). Cytogenetic location: 9q22.31.
Variant type: single nucleotide variant.
Coding change: c.4957A>T on transcript NM_006648.4 (MANE Select); coding-DNA position 4957, A replaced by T.
Protein change: p.Met1653Leu; replaces methionine 1653 with leucine.
Molecular consequence: missense variant.
Genome position (GRCh38, 1-based): chr9:93,292,328, A>T. VCF-style: chr9-93292328-A-T. GRCh37 (hg19) VCF-style: chr9-96054610-A-T.
Other names: c.5068A>T, p.Met1690Leu (NM_001282394.3); short protein forms M1690L, M1653L.
Identifiers: ClinVar variation 3816813 (VCV003816813.1).
Genomic context (GRCh38, chr9:93,292,328, plus strand): 5'-TCCTCCTTCAGCCCCAGTAACGTTTCTGATGTTCCCATAGCAGAGTCGTCTCCCAGGAGT[A>T]TGCTAGGCTATGACAGAGATGGAAGGCAGGTGGCCTCAGACTCCCATGTGGTCCCCAGCG-3'
Protein context (NP_006639.3, residues 1643-1663): SMTAESSPRS[Met1653Leu]LGYDRDGRQV

ClinVar aggregate classification (germline): Uncertain significance (1 of 4 stars; one submission).

Submission:

Ambry Genetics
Classification: Uncertain significance. Last evaluated: 2025-01-13. Review status: criteria provided, single submitter. Criteria: Ambry Variant Classification Scheme 2023. Collection method: clinical testing. Allele origin: germline.
Comment: The p.M1653L variant (also known as c.4957A>T), located in coding exon 21 of the WNK2 gene, results from an A to T substitution at nucleotide position 4957. The methionine at codon 1653 is replaced by leucine, an amino acid with highly similar properties. This amino acid position is conserved. In addition, this alteration is predicted to be tolerated by in silico analysis. Based on the available evidence, the clinical significance of this variant remains unclear.